The following is an entry in ClinVar:

ClinVar aggregate classification (germline): Likely benign. Review status: criteria provided, multiple submitters, no conflicts (2 of 4 stars). 2 submissions from 2 submitters: Likely benign (2). Last evaluated 2025-11-27.

Conditions:
Long QT syndrome (LQTS). Identifiers: MedGen C0023976, MeSH D008133, MONDO:0002442. Disease mechanism: loss of function. Inheritance: Various modes of inheritance.

Allele frequency attached by ClinVar (database versions not stated): TOPMed 0.00004; 1000 Genomes Project 0.00020; 1000 Genomes Project 30x 0.00031; gnomAD 0.00004.
gnomAD v4.1: 30 of 1,612,254 alleles (0.0019%); highest among the groups gnomAD compares: Admixed American, 0.04%; no homozygotes.

Submissions (2):

Labcorp Genetics (formerly Invitae), Labcorp
Classification: Likely benign for Long QT syndrome. Last evaluated: 2025-11-27. Review status: criteria provided, single submitter. Criteria: Invitae Variant Classification Sherloc (09022015). Collection method: clinical testing. Allele origin: germline.

GeneDx
Classification: Likely benign. Last evaluated: 2016-02-05. Review status: criteria provided, single submitter. Criteria: GeneDx Variant Classification (06012015). Collection method: clinical testing. Allele origin: germline. Affected: yes.
Comment: This variant is considered likely benign or benign based on one or more of the following criteria: it is a conservative change, it occurs at a poorly conserved position in the protein, it is predicted to be benign by multiple in silico algorithms, and/or has population frequency not consistent with disease.

NM_001148.6(ANK2):c.3379+17C>T

Gene: ANK2 (ankyrin 2; plus strand). Cytogenetic location: 4q26.
Variant type: single nucleotide variant.
Coding change: c.3379+17C>T on transcript NM_001148.6 (MANE Select); 17 bases into the intron after coding-DNA position 3379, C replaced by T.
Molecular consequence: intron variant.
Genome position (GRCh38, 1-based): chr4:113,333,225, C>T. VCF-style: chr4-113333225-C-T. GRCh37 (hg19) VCF-style: chr4-114254381-C-T.
Other names: c.3364+17C>T (NM_001386186.2, NM_001386148.2); c.3166+17C>T (NM_001354269.3); c.3244+17C>T (NM_001386187.2); c.3238+17C>T (NM_001386147.1, NM_001354261.2); c.3223+17C>T (NM_001386160.1); c.3328+17C>T (NM_001354254.2); c.3349+17C>T (NM_001354239.2, NM_001354252.2); c.3250+17C>T (NM_001354272.2); and 28 more.
Identifiers: ClinVar variation 383507 (VCV000383507.9), dbSNP rs201185141, ClinGen allele CA3050831.